The following is an entry in ClinVar:

NM_000186.4(CFH):c.7C>G (p.Leu3Val)

Gene: CFH (complement factor H; plus strand). Cytogenetic location: 1q31.3.
Variant type: single nucleotide variant.
Coding change: c.7C>G on transcript NM_000186.4 (MANE Select); coding-DNA position 7, C replaced by G.
Protein change: p.Leu3Val; replaces leucine 3 with valine.
Molecular consequence: missense variant.
Genome position (GRCh38, 1-based): chr1:196,652,124, C>G. VCF-style: chr1-196652124-C-G. GRCh37 (hg19) VCF-style: chr1-196621254-C-G.
Other names: p.Leu3Val; c.7C>G, p.Leu3Val (NM_001014975.3); short protein forms L3V.
Identifiers: ClinVar variation 875857 (VCV000875857.30), dbSNP rs139254423, ClinGen allele CA1304907.

ClinVar aggregate classification (germline): Conflicting classifications of pathogenicity. Review status: criteria provided, conflicting classifications (1 of 4 stars). 14 submissions from 8 submitters: Uncertain significance (11); Benign (1); Likely benign (2). Last evaluated 2026-09-17.

Conditions:
Basal laminar drusen. Also called: DRUSEN OF BRUCH MEMBRANE; DRUSEN, CUTICULAR; DRUSEN, EARLY ADULT-ONSET, GROUPED. Identifiers: Orphanet 75376, MedGen C0730295, MONDO:0007472, OMIM 126700.
Age related macular degeneration 4. Identifiers: MedGen C1853147, MONDO:0012540, OMIM 610698.
Factor H deficiency (CFHD). Also called: COMPLEMENT FACTOR H DEFICIENCY; CFH DEFICIENCY. Identifiers: Orphanet 200421, MedGen C0398777, MONDO:0012350, OMIM 609814.
Hemolytic uremic syndrome, atypical, susceptibility to, 1. Also called: AHUS, SUSCEPTIBILITY TO, 1. Identifiers: Orphanet 2134, Orphanet 90038, MedGen C2749604, MONDO:0009335, OMIM 235400. Disease mechanism: Other.
CFH-Related Dense Deposit Disease / Membranoproliferative Glomerulonephritis Type II. Identifiers: MedGen CN071292.

Allele frequency attached by ClinVar (database versions not stated): TOPMed 0.00011; ESP Exome Variant Server 0.00015.
gnomAD v4.1: 305 of 1,610,348 alleles (0.019%); highest among the groups gnomAD compares: Middle Eastern, 0.18%; 5 homozygotes.

Submissions (14):

Genomenon, Inc
Classification: Uncertain significance for Age related macular degeneration 4. Last evaluated: 2026-09-17. Review status: criteria provided, single submitter. Criteria: Genomenon Sequence Variant Interpretation Standards - Updated. Collection method: curation. Allele origin: germline. Affected: yes.
Comment: CFH p.Leu3Val (c.7C>G) is a missense variant that changes the amino acid at codon 3 from leucine to valine. This variant has been observed in at least one proband affected with age-related macular degeneration (PMID: 25814826; 29888403). Functional studies have been reported (PMID: 36445700; 37156755). In conclusion, we classify CFH p.Leu3Val (c.7C>G) as a variant of uncertain significance.

Labcorp Genetics (formerly Invitae), Labcorp
Classification: Likely benign. Last evaluated: 2025-08-26. Review status: criteria provided, single submitter. Criteria: Invitae Variant Classification Sherloc (09022015). Collection method: clinical testing. Allele origin: germline.

CeGaT Center for Human Genetics Tuebingen
Classification: Likely benign. Last evaluated: 2025-02-01. Review status: criteria provided, single submitter. Criteria: CeGaT Center For Human Genetics Tuebingen Variant Classification Criteria Version 2. Collection method: clinical testing. Allele origin: germline. Affected: yes. Observed: 1 variant allele.
Comment: CFH: BP4

Blueprint Genetics
Classification: Benign. Last evaluated: 2024-09-18. Review status: criteria provided, single submitter. Criteria: ACMG Guidelines, 2015. Collection method: clinical testing. Allele origin: germline.

Fulgent Genetics
Classification: Uncertain significance for Basal laminar drusen; Hemolytic uremic syndrome, atypical, susceptibility to, 1; Factor H deficiency; Age related macular degeneration 4. Last evaluated: 2024-02-24. Review status: criteria provided, single submitter. Criteria: ACMG Guidelines, 2015. Collection method: clinical testing. Allele origin: germline.

Genome-Nilou Lab
Classification: Uncertain significance for Hemolytic uremic syndrome, atypical, susceptibility to, 1. Last evaluated: 2023-04-11. Review status: criteria provided, single submitter. Criteria: ACMG Guidelines, 2015. Collection method: clinical testing. Allele origin: germline. Affected: no.

Genome-Nilou Lab
Classification: Uncertain significance for Age related macular degeneration 4. Last evaluated: 2023-04-11. Review status: criteria provided, single submitter. Criteria: ACMG Guidelines, 2015. Collection method: clinical testing. Allele origin: germline. Affected: no.

Genome-Nilou Lab
Classification: Uncertain significance for Basal laminar drusen. Last evaluated: 2023-04-11. Review status: criteria provided, single submitter. Criteria: ACMG Guidelines, 2015. Collection method: clinical testing. Allele origin: germline. Affected: no.

Genome-Nilou Lab
Classification: Uncertain significance for Factor H deficiency. Last evaluated: 2023-04-11. Review status: criteria provided, single submitter. Criteria: ACMG Guidelines, 2015. Collection method: clinical testing. Allele origin: germline. Affected: no.

Mayo Clinic Laboratories, Mayo Clinic
Classification: Uncertain significance. Last evaluated: 2021-09-01. Review status: criteria provided, single submitter. Criteria: ACMG Guidelines, 2015. Collection method: clinical testing. Allele origin: germline.

Illumina Laboratory Services, Illumina
Classification: Uncertain significance for Membranoproliferative glomerulonephritis with complement factor h deficiency. Last evaluated: 2017-04-27. Review status: criteria provided, single submitter. Criteria: ICSL Variant Classification Criteria 13 December 2019. Collection method: clinical testing. Allele origin: germline.

Illumina Laboratory Services, Illumina
Classification: Uncertain significance for Hemolytic uremic syndrome, atypical, susceptibility to, 1. Last evaluated: 2017-04-27. Review status: criteria provided, single submitter. Criteria: ICSL Variant Classification Criteria 13 December 2019. Collection method: clinical testing. Allele origin: germline.

Illumina Laboratory Services, Illumina
Classification: Uncertain significance for Basal laminar drusen. Last evaluated: 2017-04-27. Review status: criteria provided, single submitter. Criteria: ICSL Variant Classification Criteria 13 December 2019. Collection method: clinical testing. Allele origin: germline.

Illumina Laboratory Services, Illumina
Classification: Uncertain significance for Age related macular degeneration 4. Last evaluated: 2017-04-27. Review status: criteria provided, single submitter. Criteria: ICSL Variant Classification Criteria 13 December 2019. Collection method: clinical testing. Allele origin: germline.

Literature cited by the submitters: PubMed 25814826 (cited by Genomenon, Inc); PubMed 29888403 (cited by Genomenon, Inc); PubMed 36445700 (cited by Genomenon, Inc); PubMed 37156755 (cited by Genomenon, Inc).